The following is an entry in ClinVar:

ClinVar aggregate classification (germline): Uncertain significance (1 of 4 stars; one submission).

Conditions:
Inborn genetic diseases. Identifiers: MedGen C0950123, MeSH D030342.

gnomAD v4.1: 10 of 1,613,346 alleles (0.00062%); highest among the groups gnomAD compares: Admixed American, 0.01%; no homozygotes.

Submission:

Ambry Genetics
Classification: Uncertain significance for Inborn genetic diseases. Last evaluated: 2026-01-21. Review status: criteria provided, single submitter. Criteria: Ambry Variant Classification Scheme 2023. Collection method: clinical testing. Allele origin: germline.
Comment: The c.3532G>A (p.E1178K) alteration is located in exon 23 (coding exon 21) of the BAZ2B gene. This alteration results from a G to A substitution at nucleotide position 3532, causing the glutamic acid (E) at amino acid position 1178 to be replaced by a lysine (K). Based on data from gnomAD, the A allele has an overall frequency of 0.002% (5/279490) total alleles studied. The highest observed frequency was 0.011% (4/35228) of Latino alleles. Based on insufficient or conflicting evidence, the clinical significance of this alteration remains unclear.

NM_013450.4(BAZ2B):c.3532G>A (p.Glu1178Lys)

Gene: BAZ2B (bromodomain adjacent to zinc finger domain 2B; minus strand). Cytogenetic location: 2q24.2.
Variant type: single nucleotide variant.
Coding change: c.3532G>A on transcript NM_013450.4 (MANE Select); coding-DNA position 3532, G replaced by A.
Protein change: p.Glu1178Lys; replaces glutamic acid 1178 with lysine.
Molecular consequence: missense variant.
Genome position (GRCh38, 1-based): chr2:159,385,309, C>T on the plus strand (G>A on the coding strand, the complement: BAZ2B is on the minus strand). VCF-style: chr2-159385309-C-T. GRCh37 (hg19) VCF-style: chr2-160241820-C-T.
Other names: c.3424G>A, p.Glu1142Lys (NM_001289975.1); c.3370G>A, p.Glu1124Lys (NM_001329857.2); c.3457G>A, p.Glu1153Lys (NM_001329858.2); short protein forms E1178K, E1124K, E1153K, E1142K.
Identifiers: ClinVar variation 4828112 (VCV004828112.1).